The following is an entry in ClinVar:

ClinVar aggregate classification (germline): Uncertain significance (1 of 4 stars; one submission).

Conditions:
Cardiovascular phenotype. Identifiers: MedGen CN230736.

Allele frequency attached by ClinVar (database versions not stated): gnomAD exomes below 0.00001.
gnomAD v4.1: 1 of 1,614,172 alleles (0.000062%); highest among the groups gnomAD compares: African/African-American, 0.0013%; no homozygotes.

Submission:

Ambry Genetics
Classification: Uncertain significance for Cardiovascular phenotype. Last evaluated: 2023-04-05. Review status: criteria provided, single submitter. Criteria: Ambry Variant Classification Scheme 2023. Collection method: clinical testing. Allele origin: germline.
Comment: The p.N1519D variant (also known as c.4555A>G), located in coding exon 26 of the APOB gene, results from an A to G substitution at nucleotide position 4555. The asparagine at codon 1519 is replaced by aspartic acid, an amino acid with highly similar properties. This amino acid position is conserved. In addition, this alteration is predicted to be tolerated by in silico analysis. Since supporting evidence is limited at this time, the clinical significance of this alteration remains unclear.

NM_000384.3(APOB):c.4555A>G (p.Asn1519Asp)

Gene: APOB (apolipoprotein B; minus strand). Cytogenetic location: 2p24.1.
Variant type: single nucleotide variant.
Coding change: c.4555A>G on transcript NM_000384.3 (MANE Select); coding-DNA position 4555, A replaced by G.
Protein change: p.Asn1519Asp; replaces asparagine 1519 with aspartic acid.
Molecular consequence: missense variant.
Genome position (GRCh38, 1-based): chr2:21,012,313, T>C on the plus strand (A>G on the coding strand, the complement: APOB is on the minus strand). VCF-style: chr2-21012313-T-C. GRCh37 (hg19) VCF-style: chr2-21235185-T-C.
Other names: short protein forms N1519D.
Identifiers: ClinVar variation 2565842 (VCV002565842.2), dbSNP rs2465378147, ClinGen allele CA346006638.